The following is an entry in ClinVar:

ClinVar aggregate classification (germline): Uncertain significance. Review status: criteria provided, multiple submitters, no conflicts (2 of 4 stars). 5 submissions from 5 submitters: Uncertain significance (4). 1 of the submissions does not count toward it. Last evaluated 2026-08-18.

Conditions:
Inborn genetic diseases. Identifiers: MedGen C0950123, MeSH D030342.
MYO7A-related disorder. Also called: MYO7A-related disorders.

Allele frequency attached by ClinVar (database versions not stated): gnomAD exomes 0.00001; ExAC 0.00002; TOPMed 0.00002.
gnomAD v4.1: 48 of 1,613,780 alleles (0.003%); highest among the groups gnomAD compares: Non-Finnish European, 0.0036%; no homozygotes.

Submissions (5):

Ambry Genetics
Classification: Uncertain significance for Inborn genetic diseases. Last evaluated: 2026-08-18. Review status: criteria provided, single submitter. Criteria: Ambry Variant Classification Scheme 2023. Collection method: clinical testing. Allele origin: germline.

Labcorp Genetics (formerly Invitae), Labcorp
Classification: Uncertain significance. Last evaluated: 2025-07-03. Review status: criteria provided, single submitter. Criteria: Invitae Variant Classification Sherloc (09022015). Collection method: clinical testing. Allele origin: germline.
Comment: This sequence change replaces valine, which is neutral and non-polar, with methionine, which is neutral and non-polar, at codon 1199 of the MYO7A protein (p.Val1199Met). This variant is present in population databases (rs782151104, gnomAD 0.003%). This variant has not been reported in the literature in individuals affected with MYO7A-related conditions. ClinVar contains an entry for this variant (Variation ID: 597172). Invitae Evidence Modeling of protein sequence and biophysical properties (such as structural, functional, and spatial information, amino acid conservation, physicochemical variation, residue mobility, and thermodynamic stability) has been performed for this missense variant. However, the output from this modeling did not meet the statistical confidence thresholds required to predict the impact of this variant on MYO7A protein function. In summary, the available evidence is currently insufficient to determine the role of this variant in disease. Therefore, it has been classified as a Variant of Uncertain Significance.

Blueprint Genetics
Classification: Uncertain significance. Last evaluated: 2023-08-08. Review status: criteria provided, single submitter. Criteria: ACMG Guidelines, 2015. Collection method: clinical testing. Allele origin: germline.

Eurofins Ntd Llc (ga)
Classification: Uncertain significance. Last evaluated: 2018-05-29. Review status: criteria provided, single submitter. Criteria: EGL ClinVar v180209 classification definitions. Collection method: clinical testing. Allele origin: germline. Observed: 1 variant allele, 1 heterozygote.

PreventionGenetics, part of Exact Sciences
Classification: Uncertain significance for MYO7A-related condition. Last evaluated: 2024-09-07. Review status: no assertion criteria provided. Collection method: clinical testing. Allele origin: germline. Not counted in ClinVar's aggregate classification.
Comment: The MYO7A c.3595G>A variant is predicted to result in the amino acid substitution p.Val1199Met. To our knowledge, this variant has not been reported in the literature. This variant is reported in 0.0033% of alleles in individuals of South Asian descent in gnomAD. At this time, the clinical significance of this variant is uncertain due to the absence of conclusive functional and genetic evidence.

NM_000260.4(MYO7A):c.3595G>A (p.Val1199Met)

Gene: MYO7A (myosin VIIA; plus strand). Cytogenetic location: 11q13.5.
Variant type: single nucleotide variant.
Coding change: c.3595G>A on transcript NM_000260.4 (MANE Select); coding-DNA position 3595, G replaced by A.
Protein change: p.Val1199Met; replaces valine 1199 with methionine.
Molecular consequence: missense variant.
Genome position (GRCh38, 1-based): chr11:77,189,435, G>A. VCF-style: chr11-77189435-G-A. GRCh37 (hg19) VCF-style: chr11-76900480-G-A.
Other names: c.3595G>A (NM_000260.3); c.3595G>A, p.Val1199Met (NM_001127180.2); c.3562G>A, p.Val1188Met (NM_001369365.1); short protein forms V1199M, V1188M.
Identifiers: ClinVar variation 597172 (VCV000597172.13), dbSNP rs782151104, ClinGen allele CA6198123.